The following is an entry in ClinVar:

ClinVar aggregate classification (germline): Likely benign (1 of 4 stars; one submission).

Allele frequency attached by ClinVar (database versions not stated): gnomAD 0.00001.
gnomAD v4.1: 1 of 1,613,858 alleles (0.000062%); highest among the groups gnomAD compares: Non-Finnish European, 0.000085%; no homozygotes.

Submission:

CeGaT Center for Human Genetics Tuebingen
Classification: Likely benign. Last evaluated: 2022-09-01. Review status: criteria provided, single submitter. Criteria: CeGaT Center For Human Genetics Tuebingen Variant Classification Criteria Version 2. Collection method: clinical testing. Allele origin: germline. Affected: yes. Observed: 1 variant allele.
Comment: GSN: BP4, BP7

NM_198252.3(GSN):c.225G>C (p.Gly75=)

Gene: GSN (gelsolin; plus strand). Cytogenetic location: 9q33.2.
Variant type: single nucleotide variant.
Coding change: c.225G>C on transcript NM_198252.3 (MANE Select); coding-DNA position 225, G replaced by C.
Protein change: p.Gly75=; no amino-acid change (glycine 75 retained).
Molecular consequence: synonymous variant. On other transcripts: 5 prime UTR variant (1).
Genome position (GRCh38, 1-based): chr9:121,302,939, G>C. VCF-style: chr9-121302939-G-C. GRCh37 (hg19) VCF-style: chr9-124065217-G-C.
Other names: c.258G>C, p.Gly86= (NM_001353071.2, NM_001353072.2, NM_001353073.2 and 13 more transcripts); c.297G>C, p.Gly99= (NM_001353076.2); c.-430G>C (NM_001353078.2); c.378G>C, p.Gly126= (NM_000177.5); c.225G>C, p.Gly75= (NM_001127662.2, NM_001127664.2, NM_001127665.2 and 10 more transcripts); c.333G>C, p.Gly111= (NM_001127663.2); c.276G>C, p.Gly92= (NM_001258029.2); c.249G>C, p.Gly83= (NM_001258030.2).
Identifiers: ClinVar variation 2659478 (VCV002659478.24), dbSNP rs371165744, ClinGen allele CA5220806.